The following is an entry in ClinVar:

NM_002291.3(LAMB1):c.4318G>A (p.Ala1440Thr)

Gene: LAMB1 (laminin subunit beta 1; minus strand). Cytogenetic location: 7q31.1.
Variant type: single nucleotide variant.
Coding change: c.4318G>A on transcript NM_002291.3 (MANE Select); coding-DNA position 4318, G replaced by A.
Protein change: p.Ala1440Thr; replaces alanine 1440 with threonine.
Molecular consequence: missense variant.
Genome position (GRCh38, 1-based): chr7:107,932,248, C>T on the plus strand (G>A on the coding strand, the complement: LAMB1 is on the minus strand). VCF-style: chr7-107932248-C-T. GRCh37 (hg19) VCF-style: chr7-107572693-C-T.
Other names: short protein forms A1440T.
Identifiers: ClinVar variation 1525340 (VCV001525340.6), dbSNP rs267601228, ClinGen allele CA4435073.

ClinVar aggregate classification (germline): Uncertain significance (1 of 4 stars; one submission).

Allele frequency attached by ClinVar (database versions not stated): ExAC 0.00002; gnomAD 0.00002; TOPMed 0.00003.
gnomAD v4.1: 15 of 1,614,112 alleles (0.00093%); highest among the groups gnomAD compares: East Asian, 0.0089%; no homozygotes.

Submission:

Labcorp Genetics (formerly Invitae), Labcorp
Classification: Uncertain significance. Last evaluated: 2024-10-08. Review status: criteria provided, single submitter. Criteria: Invitae Variant Classification Sherloc (09022015). Collection method: clinical testing. Allele origin: germline.
Comment: This sequence change replaces alanine, which is neutral and non-polar, with threonine, which is neutral and polar, at codon 1440 of the LAMB1 protein (p.Ala1440Thr). This variant is present in population databases (rs267601228, gnomAD 0.04%). This variant has not been reported in the literature in individuals affected with LAMB1-related conditions. ClinVar contains an entry for this variant (Variation ID: 1525340). An algorithm developed to predict the effect of missense changes on protein structure and function (PolyPhen-2) suggests that this variant is likely to be disruptive. In summary, the available evidence is currently insufficient to determine the role of this variant in disease. Therefore, it has been classified as a Variant of Uncertain Significance.